The following is an entry in ClinVar:

NM_006073.4(TRDN):c.1579A>G (p.Lys527Glu)

Gene: TRDN (triadin; minus strand). Cytogenetic location: 6q22.31.
Variant type: single nucleotide variant.
Coding change: c.1579A>G on transcript NM_006073.4 (MANE Select); coding-DNA position 1579, A replaced by G.
Protein change: p.Lys527Glu; replaces lysine 527 with glutamic acid.
Molecular consequence: missense variant.
Genome position (GRCh38, 1-based): chr6:123,274,659, T>C on the plus strand (A>G on the coding strand, the complement: TRDN is on the minus strand). VCF-style: chr6-123274659-T-C. GRCh37 (hg19) VCF-style: chr6-123595804-T-C.
Other names: short protein forms K527E.
Identifiers: ClinVar variation 862163 (VCV000862163.11), dbSNP rs1192853066, ClinGen allele CA365565111.
Genomic context (GRCh38, chr6:123,274,659, plus strand): 5'-TAATGTCAACTCTGAATCTATATAAAATAAAGCTCATGTTACCTGGTTTTGCTTCTTTTT[T>C]AATTTGGGGCTCTGAGGGAGAGAAAAGGCAGAAAATTTAAAACCTGAAAAAATAAACTAG-3'
Protein context (NP_006064.2, residues 517-537): KKEEKPEPQI[Lys527Glu]KEAKPAISEK

ClinVar aggregate classification (germline): Uncertain significance. Review status: criteria provided, multiple submitters, no conflicts (2 of 4 stars). 2 submissions from 2 submitters: Uncertain significance (2). Last evaluated 2025-10-14.

Conditions:
Cardiovascular phenotype. Identifiers: MedGen CN230736.
Catecholaminergic polymorphic ventricular tachycardia 1. Also called: VENTRICULAR TACHYCARDIA, CATECHOLAMINERGIC POLYMORPHIC, 1, WITH OR WITHOUT ATRIAL DYSFUNCTION AND/OR DILATED CARDIOMYOPATHY; RYR2-Related Catecholaminergic Polymorphic Ventricular Tachycardia; VENTRICULAR TACHYCARDIA, STRESS-INDUCED POLYMORPHIC 1. Identifiers: Orphanet 3286, MedGen C1631597, MONDO:0011484, OMIM 604772.

gnomAD v4.1: 6 of 1,608,674 alleles (0.00037%); highest among the groups gnomAD compares: African/African-American, 0.0053%; no homozygotes.

Submissions (2):

Ambry Genetics
Classification: Uncertain significance for Cardiovascular phenotype. Last evaluated: 2025-10-14. Review status: criteria provided, single submitter. Criteria: Ambry Variant Classification Scheme 2023. Collection method: clinical testing. Allele origin: germline.
Comment: The p.K527E variant (also known as c.1579A>G), located in coding exon 27 of the TRDN gene, results from an A to G substitution at nucleotide position 1579. The lysine at codon 527 is replaced by glutamic acid, an amino acid with similar properties. This amino acid position is highly conserved in available vertebrate species. In addition, this alteration is predicted to be tolerated by in silico analysis. Since supporting evidence is limited at this time, the clinical significance of this alteration remains unclear.

Labcorp Genetics (formerly Invitae), Labcorp
Classification: Uncertain significance for Catecholaminergic polymorphic ventricular tachycardia 1. Last evaluated: 2021-08-26. Review status: criteria provided, single submitter. Criteria: Invitae Variant Classification Sherloc (09022015). Collection method: clinical testing. Allele origin: germline.
Comment: This sequence change replaces lysine with glutamic acid at codon 527 of the TRDN protein (p.Lys527Glu). The lysine residue is moderately conserved and there is a small physicochemical difference between lysine and glutamic acid. This variant is not present in population databases (ExAC no frequency). This variant has not been reported in the literature in individuals affected with TRDN-related conditions. Algorithms developed to predict the effect of missense changes on protein structure and function are either unavailable or do not agree on the potential impact of this missense change (SIFT: "Deleterious"; PolyPhen-2: "Probably Damaging"; Align-GVGD: "Class C0"). In summary, the available evidence is currently insufficient to determine the role of this variant in disease. Therefore, it has been classified as a Variant of Uncertain Significance.